The following is an entry in ClinVar:

ClinVar aggregate classification (germline): Likely benign (1 of 4 stars; one submission).

Allele frequency attached by ClinVar (database versions not stated): gnomAD exomes 0.00032; ExAC 0.00207; gnomAD 0.00329; 1000 Genomes Project 30x 0.00656.

Submission:

CeGaT Center for Human Genetics Tuebingen
Classification: Likely benign. Last evaluated: 2025-04-01. Review status: criteria provided, single submitter. Criteria: CeGaT Center For Human Genetics Tuebingen Variant Classification Criteria Version 2. Collection method: clinical testing. Allele origin: germline. Affected: yes. Observed: 2 variant alleles.
Comment: OR2M5: BP4, BP7

NM_001004690.1(OR2M5):c.627T>C (p.Phe209=)

Gene: OR2M5 (olfactory receptor family 2 subfamily M member 5; plus strand). Cytogenetic location: 1q44.
Variant type: single nucleotide variant.
Coding change: c.627T>C on transcript NM_001004690.1 (MANE Select); coding-DNA position 627, T replaced by C.
Protein change: p.Phe209=; no amino-acid change (phenylalanine 209 retained).
Molecular consequence: synonymous variant.
Genome position (GRCh38, 1-based): chr1:248,145,774, T>C. VCF-style: chr1-248145774-T-C. GRCh37 (hg19) VCF-style: chr1-248309076-T-C.
Identifiers: ClinVar variation 2640251 (VCV002640251.24), dbSNP rs146909155, ClinGen allele CA1501177.